The following is an entry in ClinVar:

ClinVar aggregate classification (germline): Uncertain significance (1 of 4 stars; one submission).

Conditions:
Gastrointestinal stromal tumor. Also called: Gastrointestinal stromal tumor, somatic; Gastrointestinal stroma tumor. Identifiers: Orphanet 44890, MedGen C0238198, MeSH D046152, MONDO:0011719, OMIM 606764, HP:0100723.

Submission:

Labcorp Genetics (formerly Invitae), Labcorp
Classification: Uncertain significance for Gastrointestinal stromal tumor. Last evaluated: 2022-07-19. Review status: criteria provided, single submitter. Criteria: Invitae Variant Classification Sherloc (09022015). Collection method: clinical testing. Allele origin: germline.
Comment: Variants that disrupt the consensus splice site are a relatively common cause of aberrant splicing (PMID: 17576681, 9536098). Algorithms developed to predict the effect of sequence changes on RNA splicing suggest that this variant may disrupt the consensus splice site. ClinVar contains an entry for this variant (Variation ID: 1061434). This variant has not been reported in the literature in individuals affected with KIT-related conditions. This variant is not present in population databases (gnomAD no frequency). This sequence change falls in intron 19 of the KIT gene. It does not directly change the encoded amino acid sequence of the KIT protein. It affects a nucleotide within the consensus splice site. In summary, the available evidence is currently insufficient to determine the role of this variant in disease. Therefore, it has been classified as a Variant of Uncertain Significance.

Literature cited by the submitters: PubMed 17576681; PubMed 9536098.

NM_000222.3(KIT):c.2696+5G>C

Gene: KIT (KIT proto-oncogene, receptor tyrosine kinase; plus strand). Cytogenetic location: 4q12.
Variant type: single nucleotide variant.
Coding change: c.2696+5G>C on transcript NM_000222.3 (MANE Select); 5 bases into the intron after coding-DNA position 2696, G replaced by C.
Molecular consequence: intron variant.
Genome position (GRCh38, 1-based): chr4:54,736,825, G>C. VCF-style: chr4-54736825-G-C. GRCh37 (hg19) VCF-style: chr4-55602991-G-C.
Other names: c.2699+5G>C (NM_001385284.1); c.2696+5G>C (NM_001385290.1); c.2687+5G>C (NM_001385288.1); c.2684+5G>C (NM_001385292.1, NM_001093772.2); c.2693+5G>C (NM_001385285.1); c.2681+5G>C (NM_001385286.1).
Identifiers: ClinVar variation 1061434 (VCV001061434.7), dbSNP rs1158754122, ClinGen allele CA2499217285.